The following is an entry in ClinVar:

NC_000006.11:g.(?_137143759)_(138202456_?)dup

Genes: IFNGR1 (interferon gamma receptor 1; minus strand), IL20RA (interleukin 20 receptor subunit alpha; minus strand), IL22RA2 (interleukin 22 receptor subunit alpha 2; minus strand), LINC02539 (long intergenic non-protein coding RNA 2539; minus strand), OLIG3 (oligodendrocyte transcription factor 3; minus strand) and 3 more. Cytogenetic location: 6q23.3.
Variant type: Duplication.
Identifiers: ClinVar variation 3246197 (VCV003246197.1).

ClinVar aggregate classification (germline): Uncertain significance (1 of 4 stars; one submission).

Submission:

Labcorp Genetics (formerly Invitae), Labcorp
Classification: Uncertain significance. Last evaluated: 2023-11-15. Review status: criteria provided, single submitter. Criteria: Invitae Variant Classification Sherloc (09022015). Collection method: clinical testing. Allele origin: unknown.
Comment: A copy number gain of the genomic region encompassing the full coding sequence of the TNFAIP3 gene has been identified. The boundaries of this event are unknown as they extend beyond the assayed region for this gene and therefore may encompass additional genes. As the precise location of this event is unknown, it may be in tandem or it may be located elsewhere in the genome. This variant has not been reported in the literature in individuals affected with TNFAIP3-related conditions. In summary, the available evidence is currently insufficient to determine the role of this variant in disease. Therefore, it has been classified as a Variant of Uncertain Significance.